The following is an entry in ClinVar:

ClinVar aggregate classification (germline): Uncertain significance (1 of 4 stars; one submission).

Conditions:
Dyskeratosis congenita. Identifiers: Orphanet 1775, MedGen C0265965, MONDO:0015780.

Submission:

Ambry Genetics
Classification: Uncertain significance for Dyskeratosis congenita. Last evaluated: 2025-10-10. Review status: criteria provided, single submitter. Criteria: Ambry Variant Classification Scheme 2023. Collection method: clinical testing. Allele origin: germline.
Comment: The p.P421Q variant (also known as c.1262C>A), located in coding exon 2 of the TERT gene, results from a C to A substitution at nucleotide position 1262. The proline at codon 421 is replaced by glutamine, an amino acid with similar properties. This amino acid position is not well conserved in available vertebrate species. In addition, this alteration is predicted to be tolerated by in silico analysis. Based on the available evidence, the clinical significance of this variant remains unclear.

NM_198253.3(TERT):c.1262C>A (p.Pro421Gln)

Gene: TERT (telomerase reverse transcriptase; minus strand). Cytogenetic location: 5p15.33.
Variant type: single nucleotide variant.
Coding change: c.1262C>A on transcript NM_198253.3 (MANE Select); coding-DNA position 1262, C replaced by A.
Protein change: p.Pro421Gln; replaces proline 421 with glutamine.
Molecular consequence: missense variant. On other transcripts: non-coding transcript variant (2).
Genome position (GRCh38, 1-based): chr5:1,293,624, G>T on the plus strand (C>A on the coding strand, the complement: TERT is on the minus strand). VCF-style: chr5-1293624-G-T. GRCh37 (hg19) VCF-style: chr5-1293739-G-T.
Other names: c.1262C>A, p.Pro421Gln (NM_001193376.3); short protein forms P421Q.
Identifiers: ClinVar variation 4561431 (VCV004561431.1).